The following is an entry in ClinVar:

ClinVar aggregate classification (germline): Uncertain significance. Review status: criteria provided, multiple submitters, no conflicts (2 of 4 stars). 2 submissions from 2 submitters: Uncertain significance (2). Last evaluated 2024-09-05.

Conditions:
SPTAN1-related disorder. Also called: SPTAN1-related condition; SPTAN1-related disorders.

Submissions (2):

GeneDx
Classification: Uncertain significance. Last evaluated: 2024-09-05. Review status: criteria provided, single submitter. Criteria: GeneDx Variant Classification Process June 2021. Collection method: clinical testing. Allele origin: germline. Affected: yes.
Comment: Not observed at significant frequency in large population cohorts (gnomAD); In silico analysis indicates that this missense variant does not alter protein structure/function; Has not been previously published as pathogenic or benign to our knowledge

PreventionGenetics, part of Exact Sciences
Classification: Uncertain significance for SPTAN1-related condition. Last evaluated: 2023-02-08. Review status: criteria provided, single submitter. Criteria: ACMG Guidelines, 2015. Collection method: clinical testing. Allele origin: germline.
Comment: The SPTAN1 c.5517C>A variant is predicted to result in the amino acid substitution p.Asn1839Lys. To our knowledge, this variant has not been reported in the literature or in a large population database, indicating this variant is rare. At this time, the clinical significance of this variant is uncertain due to the absence of conclusive functional and genetic evidence.

NM_001130438.3(SPTAN1):c.5517C>A (p.Asn1839Lys)

Gene: SPTAN1 (spectrin alpha, non-erythrocytic 1; plus strand). Cytogenetic location: 9q34.11.
Variant type: single nucleotide variant.
Coding change: c.5517C>A on transcript NM_001130438.3 (MANE Select); coding-DNA position 5517, C replaced by A.
Protein change: p.Asn1839Lys; replaces asparagine 1839 with lysine.
Molecular consequence: missense variant.
Genome position (GRCh38, 1-based): chr9:128,618,025, C>A. VCF-style: chr9-128618025-C-A. GRCh37 (hg19) VCF-style: chr9-131380304-C-A.
Other names: c.5442C>A, p.Asn1814Lys (NM_001195532.2); c.5517C>A, p.Asn1839Lys (NM_001363759.2, NM_001375310.1, NM_001375311.2 and 1 more transcripts); c.5457C>A, p.Asn1819Lys (NM_001363765.2, NM_001375314.2); c.5553C>A, p.Asn1851Lys (NM_001375312.2, NM_001375318.1); c.5502C>A, p.Asn1834Lys (NM_003127.4); short protein forms N1814K, N1819K, N1834K, N1839K, N1851K.
Identifiers: ClinVar variation 2630172 (VCV002630172.2), dbSNP rs2541951467, ClinGen allele CA375076967.